The following is an entry in ClinVar:

ClinVar aggregate classification (germline): Uncertain significance (1 of 4 stars; one submission).

gnomAD v4.1: 21 of 1,607,902 alleles (0.0013%); highest among the groups gnomAD compares: South Asian, 0.0022%; no homozygotes.

Submission:

Labcorp Genetics (formerly Invitae), Labcorp
Classification: Uncertain significance. Last evaluated: 2021-09-10. Review status: criteria provided, single submitter. Criteria: Invitae Variant Classification Sherloc (09022015). Collection method: clinical testing. Allele origin: germline.
Comment: This sequence change replaces alanine with threonine at codon 83 of the CABP4 protein (p.Ala83Thr). The alanine residue is weakly conserved and there is a small physicochemical difference between alanine and threonine. This variant is present in population databases (rs763071394, ExAC 0.01%). This variant has not been reported in the literature in individuals affected with CABP4-related conditions. Advanced modeling of protein sequence and biophysical properties (such as structural, functional, and spatial information, amino acid conservation, physicochemical variation, residue mobility, and thermodynamic stability) performed at Invitae indicates that this missense variant is not expected to disrupt CABP4 protein function. In summary, the available evidence is currently insufficient to determine the role of this variant in disease. Therefore, it has been classified as a Variant of Uncertain Significance.

NM_145200.5(CABP4):c.247G>A (p.Ala83Thr)

Gene: CABP4 (calcium binding protein 4; plus strand). Cytogenetic location: 11q13.2.
Variant type: single nucleotide variant.
Coding change: c.247G>A on transcript NM_145200.5 (MANE Select); coding-DNA position 247, G replaced by A.
Protein change: p.Ala83Thr; replaces alanine 83 with threonine.
Molecular consequence: missense variant. On other transcripts: 5 prime UTR variant (2), non-coding transcript variant (1), intron variant (1).
Genome position (GRCh38, 1-based): chr11:67,455,670, G>A. VCF-style: chr11-67455670-G-A. GRCh37 (hg19) VCF-style: chr11-67223141-G-A.
Other names: c.-137G>A (NM_001300895.3); c.-151G>A (NM_001379183.1); c.-112-39G>A (NM_001300896.3); short protein forms A83T.
Identifiers: ClinVar variation 1346543 (VCV001346543.6), dbSNP rs763071394, ClinGen allele CA6140111.